The following is an entry in ClinVar:

ClinVar aggregate classification (germline): Pathogenic/Likely pathogenic. Review status: criteria provided, multiple submitters, no conflicts (2 of 4 stars). 2 submissions from 2 submitters: Pathogenic (1); Likely pathogenic (1). Last evaluated 2025-03-28.

Conditions:
Cardiovascular phenotype. Identifiers: MedGen CN230736.
Cholestanol storage disease (CTX). Also called: CTX: Cerebrotendinous xanthomatosis; CEREBRAL CHOLESTERINOSIS; Cerebrotendinous Xanthomatosis. Identifiers: Orphanet 909, MedGen C0238052, MONDO:0008948, OMIM 213700.

Allele frequency attached by ClinVar (database versions not stated): gnomAD exomes below 0.00001.
gnomAD v4.1: 3 of 1,614,078 alleles (0.00019%); highest among the groups gnomAD compares: Non-Finnish European, 0.00025%; no homozygotes.

Submissions (2):

Ambry Genetics
Classification: Likely pathogenic for Cardiovascular phenotype. Last evaluated: 2025-03-28. Review status: criteria provided, single submitter. Criteria: Ambry Variant Classification Scheme 2023. Collection method: clinical testing. Allele origin: germline.
Comment: The c.1185-2A>G intronic variant results from an A to G substitution two nucleotides upstream from coding exon 7 in the CYP27A1 gene. This variant is considered to be rare based on population cohorts in the Genome Aggregation Database (gnomAD). This nucleotide position is highly conserved in available vertebrate species. In silico splice site analysis predicts that this alteration will weaken the native splice acceptor site. Alterations that disrupt the canonical splice site are expected to cause aberrant splicing, resulting in an abnormal protein or a transcript that is subject to nonsense-mediated mRNA decay. As such, this alteration is classified as likely pathogenic.

Labcorp Genetics (formerly Invitae), Labcorp
Classification: Pathogenic for Cholestanol storage disease. Last evaluated: 2019-09-10. Review status: criteria provided, single submitter. Criteria: Invitae Variant Classification Sherloc (09022015). Collection method: clinical testing. Allele origin: germline.
Comment: For these reasons, this variant has been classified as Pathogenic. Donor and acceptor splice site variants typically lead to a loss of protein function (PMID: 16199547), and loss-of-function variants in CYP27A1 are known to be pathogenic (PMID: 9392430, 10775536, 26937392). Algorithms developed to predict the effect of sequence changes on RNA splicing suggest that this variant may disrupt the consensus splice site, but this prediction has not been confirmed by published transcriptional studies. Disruption of this splice site has been observed in individuals affected with cerebrotendinous xanthomatosis (PMID: 14741198, 25983621). This variant is not present in population databases (ExAC no frequency). This sequence change affects an acceptor splice site in intron 6 of the CYP27A1 gene. It is expected to disrupt RNA splicing and likely results in an absent or disrupted protein product.

Literature cited by the submitters: PubMed 16199547 (cited by Labcorp Genetics (formerly Invitae), Labcorp); PubMed 9392430 (cited by Labcorp Genetics (formerly Invitae), Labcorp); PubMed 10775536 (cited by Labcorp Genetics (formerly Invitae), Labcorp); PubMed 26937392 (cited by Labcorp Genetics (formerly Invitae), Labcorp); PubMed 14741198 (cited by Labcorp Genetics (formerly Invitae), Labcorp); PubMed 25983621 (cited by Labcorp Genetics (formerly Invitae), Labcorp).

NM_000784.4(CYP27A1):c.1185-2A>G

Gene: CYP27A1 (cytochrome P450 family 27 subfamily A member 1; plus strand). Cytogenetic location: 2q35.
Variant type: single nucleotide variant.
Coding change: c.1185-2A>G on transcript NM_000784.4 (MANE Select); the canonical splice acceptor site of the intron before coding-DNA position 1185, A replaced by G.
Molecular consequence: splice acceptor variant.
Genome position (GRCh38, 1-based): chr2:218,814,378, A>G. VCF-style: chr2-218814378-A-G. GRCh37 (hg19) VCF-style: chr2-219679101-A-G.
Identifiers: ClinVar variation 960761 (VCV000960761.11), dbSNP rs1553616457, ClinGen allele CA350592922.